The following is an entry in ClinVar:

ClinVar aggregate classification (germline): Likely benign. Review status: criteria provided, multiple submitters, no conflicts (2 of 4 stars). 3 submissions from 3 submitters: Likely benign (3). Last evaluated 2026-01-24.

Conditions:
LAMA2-related muscular dystrophy (LAMA2-RD). Also called: Laminin alpha 2-related dystrophy. Identifiers: MedGen C5679788, MONDO:0100228.
LAMA2-related disorder. Also called: LAMA2-related disorders; LAMA2-related condition.

Allele frequency attached by ClinVar (database versions not stated): ExAC 0.00001; gnomAD exomes 0.00002; gnomAD 0.00003 and 0.00004; TOPMed 0.00004.
gnomAD v4.1: 77 of 1,613,286 alleles (0.0048%); highest among the groups gnomAD compares: Non-Finnish European, 0.0059%; no homozygotes.

Submissions (3):

Labcorp Genetics (formerly Invitae), Labcorp
Classification: Likely benign for LAMA2-related muscular dystrophy. Last evaluated: 2026-01-24. Review status: criteria provided, single submitter. Criteria: Invitae Variant Classification Sherloc (09022015). Collection method: clinical testing. Allele origin: germline.

PreventionGenetics, part of Exact Sciences
Classification: Likely benign for LAMA2-related condition. Last evaluated: 2025-02-17. Review status: criteria provided, single submitter. Criteria: ACMG Guidelines, 2015. Collection method: clinical testing. Allele origin: germline.
Comment: This variant is classified as likely benign based on ACMG/AMP sequence variant interpretation guidelines (Richards et al. 2015 PMID: 25741868, with internal and published modifications).

Mayo Clinic Laboratories, Mayo Clinic
Classification: Likely benign. Last evaluated: 2024-10-11. Review status: criteria provided, single submitter. Criteria: ACMG Guidelines, 2015. Collection method: clinical testing. Allele origin: germline. Observed: 2 variant alleles.
Comment: BP4, BP7

NM_000426.4(LAMA2):c.3038-8C>T

Gene: LAMA2 (laminin subunit alpha 2; plus strand). Cytogenetic location: 6q22.33.
Variant type: single nucleotide variant.
Coding change: c.3038-8C>T on transcript NM_000426.4 (MANE Select); 8 bases into the intron before coding-DNA position 3038, C replaced by T.
Molecular consequence: intron variant.
Genome position (GRCh38, 1-based): chr6:129,300,728, C>T. VCF-style: chr6-129300728-C-T. GRCh37 (hg19) VCF-style: chr6-129621873-C-T.
Other names: p.?; c.3038-8C>T (NM_001079823.2).
Identifiers: ClinVar variation 779072 (VCV000779072.13), dbSNP rs759955280, ClinGen allele CA3993154.